The following is an entry in ClinVar:

ClinVar aggregate classification (germline): Uncertain significance. Review status: criteria provided, multiple submitters, no conflicts (2 of 4 stars). 2 submissions from 2 submitters: Uncertain significance (2). Last evaluated 2024-12-04.

Conditions:
Inborn genetic diseases. Identifiers: MedGen C0950123, MeSH D030342.

Allele frequency attached by ClinVar (database versions not stated): ExAC 0.00001.
gnomAD v4.1: 6 of 1,603,932 alleles (0.00037%); highest among the groups gnomAD compares: South Asian, 0.0011%; no homozygotes.

Submissions (2):

Ambry Genetics
Classification: Uncertain significance for Inborn genetic diseases. Last evaluated: 2024-12-04. Review status: criteria provided, single submitter. Criteria: Ambry Variant Classification Scheme 2023. Collection method: clinical testing. Allele origin: germline.

Labcorp Genetics (formerly Invitae), Labcorp
Classification: Uncertain significance. Last evaluated: 2022-11-01. Review status: criteria provided, single submitter. Criteria: Invitae Variant Classification Sherloc (09022015). Collection method: clinical testing. Allele origin: germline.
Comment: This sequence change replaces glutamine, which is neutral and polar, with arginine, which is basic and polar, at codon 1132 of the PTPN23 protein (p.Gln1132Arg). This variant is not present in population databases (gnomAD no frequency). This variant has not been reported in the literature in individuals affected with PTPN23-related conditions. ClinVar contains an entry for this variant (Variation ID: 1407105). Algorithms developed to predict the effect of missense changes on protein structure and function are either unavailable or do not agree on the potential impact of this missense change (SIFT: "Tolerated"; PolyPhen-2: "Possibly Damaging"; Align-GVGD: "Class C0"). In summary, the available evidence is currently insufficient to determine the role of this variant in disease. Therefore, it has been classified as a Variant of Uncertain Significance.

NM_015466.4(PTPN23):c.3395A>G (p.Gln1132Arg)

Gene: PTPN23 (protein tyrosine phosphatase non-receptor type 23; plus strand). Cytogenetic location: 3p21.31.
Variant type: single nucleotide variant.
Coding change: c.3395A>G on transcript NM_015466.4 (MANE Select); coding-DNA position 3395, A replaced by G.
Protein change: p.Gln1132Arg; replaces glutamine 1132 with arginine.
Molecular consequence: missense variant.
Genome position (GRCh38, 1-based): chr3:47,411,193, A>G. VCF-style: chr3-47411193-A-G. GRCh37 (hg19) VCF-style: chr3-47452683-A-G.
Other names: c.3017A>G, p.Gln1006Arg (NM_001304482.2); c.3395A>G (NM_015466.2); short protein forms Q1132R, Q1006R.
Identifiers: ClinVar variation 1407105 (VCV001407105.7), dbSNP rs756868289, ClinGen allele CA2366268.
Genomic context (GRCh38, chr3:47,411,193, plus strand): 5'-GAGGCGCCGCAGCTGCAGACCTGCTCTCCTCCAGCCCGGAGAGCCAGCATGGCGGCACTC[A>G]GTCTCCTGGGGGTGGGCAGCCCCTGCTGCAGCCCACCAAGGTGGATGCAGCTGAGGGTCG-3'
Protein context (NP_056281.1, residues 1122-1142): SSPESQHGGT[Gln1132Arg]SPGGGQPLLQ